The following is an entry in ClinVar:

NM_001008212.2(OPTN):c.154C>T (p.His52Tyr)

Genes: OPTN (optineurin; plus strand), LOC108903148 (10p13 OPTN distal Alu-mediated recombination region; plus strand). Cytogenetic location: 10p13.
Variant type: single nucleotide variant.
Coding change: c.154C>T on transcript NM_001008212.2 (MANE Select); coding-DNA position 154, C replaced by T.
Protein change: p.His52Tyr; replaces histidine 52 with tyrosine.
Molecular consequence: missense variant.
Genome position (GRCh38, 1-based): chr10:13,109,276, C>T. VCF-style: chr10-13109276-C-T. GRCh37 (hg19) VCF-style: chr10-13151276-C-T.
Other names: c.154C>T, p.His52Tyr (NM_001008211.1, NM_001008213.1, NM_021980.4); short protein forms H52Y.
Identifiers: ClinVar variation 3067688 (VCV003067688.21), dbSNP rs766091193, ClinGen allele CA5410521.

ClinVar aggregate classification (germline): Uncertain significance (1 of 4 stars; one submission).

Allele frequency attached by ClinVar (database versions not stated): gnomAD exomes below 0.00001; gnomAD 0.00001; ExAC 0.00002.
gnomAD v4.1: 3 of 1,613,878 alleles (0.00019%); highest among the groups gnomAD compares: East Asian, 0.0045%; no homozygotes.

Submission:

CeGaT Center for Human Genetics Tuebingen
Classification: Uncertain significance. Last evaluated: 2024-03-01. Review status: criteria provided, single submitter. Criteria: CeGaT Center For Human Genetics Tuebingen Variant Classification Criteria Version 2. Collection method: clinical testing. Allele origin: germline. Affected: yes. Observed: 1 variant allele.
Comment: OPTN: PM2